The following is an entry in ClinVar:

NM_001042492.3(NF1):c.3180T>G (p.Asp1060Glu)

Gene: NF1 (neurofibromin 1; plus strand). Cytogenetic location: 17q11.2.
Variant type: single nucleotide variant.
Coding change: c.3180T>G on transcript NM_001042492.3 (MANE Select); coding-DNA position 3180, T replaced by G.
Protein change: p.Asp1060Glu; replaces aspartic acid 1060 with glutamic acid.
Molecular consequence: missense variant.
Genome position (GRCh38, 1-based): chr17:31,230,908, T>G. VCF-style: chr17-31230908-T-G. GRCh37 (hg19) VCF-style: chr17-29557926-T-G.
Other names: c.3180T>G, p.Asp1060Glu (NM_000267.4); short protein forms D1060E.
Identifiers: ClinVar variation 527474 (VCV000527474.15), dbSNP rs1555614646, ClinGen allele CA398988234.
Genomic context (GRCh38, chr17:31,230,908, plus strand): 5'-GATGGTAGAATACCTGACAGACTGGGTTATGGGAACATCAAACCAAGCAGCAGATGATGA[T>G]GTAAAATGTCTTACAAGGTAAAAAAAGAATGACCTTCAAGTATTAGTGGGTTTTACTGTG-3'
Protein context (NP_001035957.1, residues 1050-1070): MGTSNQAADD[Asp1060Glu]VKCLTRDLDQ

ClinVar aggregate classification (germline): Conflicting classifications of pathogenicity. Review status: criteria provided, conflicting classifications (1 of 4 stars). 4 submissions from 4 submitters: Likely pathogenic (1); Uncertain significance (3). Last evaluated 2025-11-03.

Conditions:
Cardiovascular phenotype. Identifiers: MedGen CN230736.
Hereditary cancer-predisposing syndrome. Also called: Neoplastic Syndromes, Hereditary; Tumor predisposition; Hereditary neoplastic syndrome; Hereditary Cancer Syndrome. Identifiers: Orphanet 140162, MedGen C0027672, MeSH D009386, MONDO:0015356.
Neurofibromatosis, type 1 (NF1). Also called: VON RECKLINGHAUSEN DISEASE; NEUROFIBROMATOSIS, TYPE I, SOMATIC; Peripheral type neurofibromatosis; Neurofibromatosis, type I. Identifiers: Orphanet 636, MedGen C0027831, MONDO:0018975, OMIM 162200. Disease mechanism: loss of function.

Submissions (4):

Ambry Genetics
Classification: Likely pathogenic for Cardiovascular phenotype; Hereditary cancer-predisposing syndrome. Last evaluated: 2025-11-03. Review status: criteria provided, single submitter. Criteria: Ambry Variant Classification Scheme 2023. Collection method: clinical testing. Allele origin: germline.
Comment: The c.3180T>G (p.D1060E) alteration is located in exon 24 (coding exon 24) of the NF1 gene. This alteration results from a T to G substitution at nucleotide position 3180, causing the aspartic acid (D) at amino acid position 1060 to be replaced by a glutamic acid (E). This variant was not reported in population-based cohorts in the Genome Aggregation Database (gnomAD). This nucleotide position is not well conserved in available vertebrate species. RNA studies have demonstrated that this alteration results in abnormal splicing in the set of samples tested (Ambry internal data). In silico splice site analysis predicts that this alteration may weaken the native splice donor site and will result in the creation or strengthening of a novel splice donor site. Based on the available evidence, this alteration is classified as likely pathogenic.

Genome-Nilou Lab
Classification: Uncertain significance for Neurofibromatosis, type 1. Last evaluated: 2022-03-15. Review status: criteria provided, single submitter. Criteria: ACMG Guidelines, 2015. Collection method: clinical testing. Allele origin: germline. Affected: no.

ARUP Laboratories, Molecular Genetics and Genomics, ARUP Laboratories
Classification: Uncertain significance. Last evaluated: 2021-10-14. Review status: criteria provided, single submitter. Criteria: ARUP Molecular Germline Variant Investigation Process 2021. Collection method: clinical testing. Allele origin: germline.
Comment: The NF1 c.3180T>G; p.Asp1060Glu variant (rs1555614646) to our knowledge, is not reported in the medical literature but is reported in a gene-specific database (see link below) and in the ClinVar database (Variation ID: 527474). This variant is absent from general population databases (Exome Variant Server, Genome Aggregation Database), indicating it is not a common polymorphism. The aspartic acid at codon 1060 is highly conserved, and computational analyses are uncertain whether this variant is neutral or deleterious (REVEL: 0.179). Due to limited information, the clinical significance of the p.Asp1060Glu variant is uncertain at this time. References: Link to NF1 database

Labcorp Genetics (formerly Invitae), Labcorp
Classification: Uncertain significance for Neurofibromatosis, type 1. Last evaluated: 2021-03-11. Review status: criteria provided, single submitter. Criteria: Invitae Variant Classification Sherloc (09022015). Collection method: clinical testing. Allele origin: germline.
Comment: This sequence change replaces aspartic acid with glutamic acid at codon 1060 of the NF1 protein (p.Asp1060Glu). The aspartic acid residue is moderately conserved and there is a small physicochemical difference between aspartic acid and glutamic acid. This variant is not present in population databases (ExAC no frequency). This variant has been reported in individuals in the Leiden Open-source Variation Database (PMID: 21520333). ClinVar contains an entry for this variant (Variation ID: 527474). Advanced modeling of protein sequence and biophysical properties (such as structural, functional, and spatial information, amino acid conservation, physicochemical variation, residue mobility, and thermodynamic stability) performed at Invitae indicates that this missense variant is not expected to disrupt NF1 protein function. In summary, the available evidence is currently insufficient to determine the role of this variant in disease. Therefore, it has been classified as a Variant of Uncertain Significance.

Literature cited by the submitters: PubMed 21520333 (cited by Labcorp Genetics (formerly Invitae), Labcorp).